The following is an entry in ClinVar:

ClinVar aggregate classification (germline): Likely benign. Review status: criteria provided, single submitter (1 of 4 stars). 2 submissions from 2 submitters: Likely benign (1). 1 of the submissions does not count toward it. Last evaluated 2023-12-20.

Conditions:
CREBBP-related disorder. Also called: CREBBP-related disorders; CREBBP-related condition.
Rubinstein-Taybi syndrome (RSTS). Identifiers: Orphanet 783, MedGen C0035934, MONDO:0019188.

Submissions (2):

Labcorp Genetics (formerly Invitae), Labcorp
Classification: Likely benign for Rubinstein-Taybi syndrome. Last evaluated: 2023-12-20. Review status: criteria provided, single submitter. Criteria: Invitae Variant Classification Sherloc (09022015). Collection method: clinical testing. Allele origin: germline.

PreventionGenetics, part of Exact Sciences
Classification: Likely benign for CREBBP-related condition. Last evaluated: 2024-02-13. Review status: no assertion criteria provided. Collection method: clinical testing. Allele origin: germline. Not counted in ClinVar's aggregate classification.
Comment: This variant is classified as likely benign based on ACMG/AMP sequence variant interpretation guidelines (Richards et al. 2015 PMID: 25741868, with internal and published modifications).

NM_004380.3(CREBBP):c.3804A>G (p.Glu1268=)

Gene: CREBBP (CREB binding lysine acetyltransferase; minus strand). Cytogenetic location: 16p13.3.
Variant type: single nucleotide variant.
Coding change: c.3804A>G on transcript NM_004380.3 (MANE Select); coding-DNA position 3804, A replaced by G.
Protein change: p.Glu1268=; no amino-acid change (glutamic acid 1268 retained).
Molecular consequence: synonymous variant.
Genome position (GRCh38, 1-based): chr16:3,749,659, T>C on the plus strand (A>G on the coding strand, the complement: CREBBP is on the minus strand). VCF-style: chr16-3749659-T-C. GRCh37 (hg19) VCF-style: chr16-3799660-T-C.
Other names: c.3690A>G, p.Glu1230= (NM_001079846.1); c.3804A>G (NM_004380.2).
Identifiers: ClinVar variation 2704400 (VCV002704400.4), dbSNP rs2548381554, ClinGen allele CA493282487.